The following is an entry in ClinVar:

ClinVar aggregate classification (germline): Uncertain significance (1 of 4 stars; one submission).

Conditions:
Familial thoracic aortic aneurysm and aortic dissection (TAAD). Also called: Thoracic aortic aneurysms and dissections. Identifiers: Orphanet 91387, MedGen C4707243, MONDO:0019625.

Submission:

Ambry Genetics
Classification: Uncertain significance for Familial thoracic aortic aneurysm and aortic dissection. Last evaluated: 2022-11-10. Review status: criteria provided, single submitter. Criteria: Ambry Variant Classification Scheme 2023. Collection method: clinical testing. Allele origin: germline.
Comment: The p.D399N variant (also known as c.1195G>A), located in coding exon 8 of the COL5A1 gene, results from a G to A substitution at nucleotide position 1195. The aspartic acid at codon 399 is replaced by asparagine, an amino acid with highly similar properties. This amino acid position is highly conserved in available vertebrate species. In addition, this alteration is predicted to be tolerated by in silico analysis. Since supporting evidence is limited at this time, the clinical significance of this alteration remains unclear.

NM_000093.5(COL5A1):c.1195G>A (p.Asp399Asn)

Gene: COL5A1 (collagen type V alpha 1 chain; plus strand). Cytogenetic location: 9q34.3.
Variant type: single nucleotide variant.
Coding change: c.1195G>A on transcript NM_000093.5 (MANE Select); coding-DNA position 1195, G replaced by A.
Protein change: p.Asp399Asn; replaces aspartic acid 399 with asparagine.
Molecular consequence: missense variant.
Genome position (GRCh38, 1-based): chr9:134,731,526, G>A. VCF-style: chr9-134731526-G-A. GRCh37 (hg19) VCF-style: chr9-137623372-G-A.
Other names: c.1195G>A, p.Asp399Asn (NM_001278074.1); short protein forms D399N.
Identifiers: ClinVar variation 2448281 (VCV002448281.2), dbSNP rs2490506748, ClinGen allele CA375450648.
Genomic context (GRCh38, chr9:134,731,526, plus strand): 5'-GCAACCCTGCGCCTTCCTCTCCCTCTGCAGCCAGCTCCGCCTCCAGGGGAAGGTGCGGAT[G>A]ACTTGGAGGGGGAGTTCACTGAGGAAACGATCCGGAACCTTGACGAGAACTACTACGACC-3'
Protein context (NP_000084.3, residues 389-409): PAPPPGEGAD[Asp399Asn]LEGEFTEETI